The following is an entry in ClinVar:

ClinVar aggregate classification (germline): Uncertain significance (1 of 4 stars; one submission).

Submission:

GeneDx
Classification: Uncertain significance. Last evaluated: 2024-11-20. Review status: criteria provided, single submitter. Criteria: GeneDx Variant Classification Process June 2021. Collection method: clinical testing. Allele origin: germline. Affected: yes.
Comment: Not observed at significant frequency in large population cohorts (gnomAD); In silico analysis indicates that this missense variant does not alter protein structure/function; Has not been previously published as pathogenic or benign to our knowledge

NM_001039591.3(USP9X):c.110A>C (p.Asp37Ala)

Gene: USP9X (ubiquitin specific peptidase 9 X-linked; plus strand). Cytogenetic location: Xp11.4.
Variant type: single nucleotide variant.
Coding change: c.110A>C on transcript NM_001039591.3 (MANE Select); coding-DNA position 110, A replaced by C.
Protein change: p.Asp37Ala; replaces aspartic acid 37 with alanine.
Molecular consequence: missense variant.
Genome position (GRCh38, 1-based): chrX:41,129,013, A>C. VCF-style: chrX-41129013-A-C. GRCh37 (hg19) VCF-style: chrX-40988266-A-C.
Other names: c.110A>C, p.Asp37Ala (NM_001039590.3, NM_001410748.1, NM_001410749.1); short protein forms D37A.
Identifiers: ClinVar variation 3900056 (VCV003900056.1).